The following is an entry in ClinVar:

NM_001692.4(ATP6V1B1):c.786-50T>C

Gene: ATP6V1B1 (ATPase H+ transporting V1 subunit B1; plus strand). Cytogenetic location: 2p13.3.
Variant type: single nucleotide variant.
Coding change: c.786-50T>C on transcript NM_001692.4 (MANE Select); 50 bases into the intron before coding-DNA position 786, T replaced by C.
Molecular consequence: intron variant.
Genome position (GRCh38, 1-based): chr2:70,962,727, T>C. VCF-style: chr2-70962727-T-C. GRCh37 (hg19) VCF-style: chr2-71189857-T-C.
Identifiers: ClinVar variation 682946 (VCV000682946.2), dbSNP rs76701704, ClinGen allele CA1701160.

ClinVar aggregate classification (germline): Benign. Review status: criteria provided, multiple submitters, no conflicts (2 of 4 stars). 2 submissions from 2 submitters: Benign (2). Last evaluated 2018-06-15.

Allele frequency attached by ClinVar (database versions not stated): gnomAD exomes 0.01154 and 0.02305; ExAC 0.02529; gnomAD 0.05920 and 0.06191; ESP Exome Variant Server 0.06351; TOPMed 0.06599; 1000 Genomes Project 0.07228; 1000 Genomes Project 30x 0.07698.
gnomAD v4.1: 26,503 of 1,608,860 alleles (1.6%); highest among the groups gnomAD compares: African/African-American, 18%; 1,430 homozygotes.

Submissions (2):

GeneDx
Classification: Benign. Last evaluated: 2018-06-15. Review status: criteria provided, single submitter. Criteria: GeneDx Variant Classification (06012015). Collection method: clinical testing. Allele origin: germline. Affected: yes.
Comment: This variant is considered likely benign or benign based on one or more of the following criteria: it is a conservative change, it occurs at a poorly conserved position in the protein, it is predicted to be benign by multiple in silico algorithms, and/or has population frequency not consistent with disease.

Breakthrough Genomics
Classification: Benign. Review status: criteria provided, single submitter. Criteria: ACMG Guidelines, 2015. Collection method: not provided. Allele origin: germline. Inheritance: Autosomal recessive inheritance. Affected: yes.